The following is an entry in ClinVar:

ClinVar aggregate classification (germline): Uncertain significance. Review status: criteria provided, multiple submitters, no conflicts (2 of 4 stars). 3 submissions from 3 submitters: Uncertain significance (3). Last evaluated 2024-08-29.

Conditions:
Hereditary cancer-predisposing syndrome. Also called: Neoplastic Syndromes, Hereditary; Tumor predisposition; Hereditary Cancer Syndrome; Hereditary neoplastic syndrome. Identifiers: Orphanet 140162, MedGen C0027672, MeSH D009386, MONDO:0015356.

gnomAD v4.1: 5 of 1,458,956 alleles (0.00034%); highest among the groups gnomAD compares: Non-Finnish European, 0.00045%; no homozygotes.

Submissions (3):

Ambry Genetics
Classification: Uncertain significance for Hereditary cancer-predisposing syndrome. Last evaluated: 2024-08-29. Review status: criteria provided, single submitter. Criteria: Ambry Variant Classification Scheme 2023. Collection method: clinical testing. Allele origin: germline.
Comment: The c.-2A>G variant is located in the 5' untranslated region (5&rsquo; UTR) of the SDHA gene. This variant results from an A to G substitution 2 bases upstream from the first translated codon. This nucleotide position is not well conserved in available vertebrate species. Since supporting evidence is limited at this time, the clinical significance of this alteration remains unclear.

Quest Diagnostics Nichols Institute San Juan Capistrano
Classification: Uncertain significance. Last evaluated: 2024-07-01. Review status: criteria provided, single submitter. Criteria: Quest Diagnostics criteria. Collection method: clinical testing. Allele origin: unknown.
Comment: The SDHA c.-2A>G variant has not been reported in individuals with SDHA-related conditions in the published literature. The frequency of this variant in the general population, 0.0000066 (1/152142 chromosomes (Genome Aggregation Database)), is uninformative in the assessment of its pathogenicity. Based on the available information, we are unable to determine the clinical significance of this variant.

GeneDx
Classification: Uncertain significance. Last evaluated: 2023-11-14. Review status: criteria provided, single submitter. Criteria: GeneDx Variant Classification Process June 2021. Collection method: clinical testing. Allele origin: germline. Affected: yes.
Comment: Not observed at significant frequency in large population cohorts (gnomAD); Nucleotide is not conserved across species and the substitution has no predicted effect on splicing; Has not been previously published as pathogenic or benign to our knowledge

NM_004168.4(SDHA):c.-2A>G

Gene: SDHA (succinate dehydrogenase complex flavoprotein subunit A; plus strand). Cytogenetic location: 5p15.33.
Variant type: single nucleotide variant.
Coding change: c.-2A>G on transcript NM_004168.4 (MANE Select); 2 bases upstream of the start codon, A replaced by G.
Molecular consequence: 5 prime UTR variant.
Genome position (GRCh38, 1-based): chr5:218,354, A>G. VCF-style: chr5-218354-A-G. GRCh37 (hg19) VCF-style: chr5-218469-A-G.
Other names: c.-2A>G (NM_001294332.2, NM_001330758.2, NM_004168.3).
Identifiers: ClinVar variation 1798646 (VCV001798646.5), dbSNP rs763680697, ClinGen allele CA557111167.